The following is an entry in ClinVar:

ClinVar aggregate classification (germline): Uncertain significance (1 of 4 stars; one submission).

Conditions:
Werner syndrome (WRN). Identifiers: Orphanet 902, MedGen C0043119, MONDO:0010196, OMIM 277700.

Submission:

Labcorp Genetics (formerly Invitae), Labcorp
Classification: Uncertain significance for Werner syndrome. Last evaluated: 2024-10-12. Review status: criteria provided, single submitter. Criteria: Invitae Variant Classification Sherloc (09022015). Collection method: clinical testing. Allele origin: germline.
Comment: This sequence change replaces glutamic acid, which is acidic and polar, with glycine, which is neutral and non-polar, at codon 520 of the WRN protein (p.Glu520Gly). This variant is not present in population databases (gnomAD no frequency). This variant has not been reported in the literature in individuals affected with WRN-related conditions. ClinVar contains an entry for this variant (Variation ID: 2109752). An algorithm developed to predict the effect of missense changes on protein structure and function (PolyPhen-2) suggests that this variant is likely to be disruptive. In summary, the available evidence is currently insufficient to determine the role of this variant in disease. Therefore, it has been classified as a Variant of Uncertain Significance.

NM_000553.6(WRN):c.1559A>G (p.Glu520Gly)

Gene: WRN (WRN RecQ like helicase; plus strand). Cytogenetic location: 8p12.
Variant type: single nucleotide variant.
Coding change: c.1559A>G on transcript NM_000553.6 (MANE Select); coding-DNA position 1559, A replaced by G.
Protein change: p.Glu520Gly; replaces glutamic acid 520 with glycine.
Molecular consequence: missense variant.
Genome position (GRCh38, 1-based): chr8:31,087,903, A>G. VCF-style: chr8-31087903-A-G. GRCh37 (hg19) VCF-style: chr8-30945419-A-G.
Other names: short protein forms E520G.
Identifiers: ClinVar variation 2109752 (VCV002109752.4), dbSNP rs2535924658, ClinGen allele CA370924896.